The following is an entry in ClinVar:

NM_001710.6(CFB):c.1195A>G (p.Ile399Val)

Gene: CFB (complement factor B; plus strand). Cytogenetic location: 6p21.33.
Variant type: single nucleotide variant.
Coding change: c.1195A>G on transcript NM_001710.6 (MANE Select); coding-DNA position 1195, A replaced by G.
Protein change: p.Ile399Val; replaces isoleucine 399 with valine.
Molecular consequence: missense variant.
Genome position (GRCh38, 1-based): chr6:31,949,269, A>G. VCF-style: chr6-31949269-A-G. GRCh37 (hg19) VCF-style: chr6-31917046-A-G.
Other names: short protein forms I399V.
Identifiers: ClinVar variation 2999559 (VCV002999559.3), dbSNP rs1771611944, ClinGen allele CA363401412.

ClinVar aggregate classification (germline): Uncertain significance (1 of 4 stars; one submission).

Allele frequency attached by ClinVar (database versions not stated): gnomAD exomes below 0.00001; TOPMed below 0.00001.
gnomAD v4.1: 1 of 1,614,040 alleles (0.000062%); highest among the groups gnomAD compares: Non-Finnish European, 0.000085%; no homozygotes.

Submission:

Labcorp Genetics (formerly Invitae), Labcorp
Classification: Uncertain significance. Last evaluated: 2023-12-11. Review status: criteria provided, single submitter. Criteria: Invitae Variant Classification Sherloc (09022015). Collection method: clinical testing. Allele origin: germline.
Comment: This sequence change replaces isoleucine, which is neutral and non-polar, with valine, which is neutral and non-polar, at codon 399 of the CFB protein (p.Ile399Val). This variant is not present in population databases (gnomAD no frequency). This variant has not been reported in the literature in individuals affected with CFB-related conditions. Advanced modeling of protein sequence and biophysical properties (such as structural, functional, and spatial information, amino acid conservation, physicochemical variation, residue mobility, and thermodynamic stability) performed at Invitae indicates that this missense variant is not expected to disrupt CFB protein function with a negative predictive value of 80%. In summary, the available evidence is currently insufficient to determine the role of this variant in disease. Therefore, it has been classified as a Variant of Uncertain Significance.